The following is an entry in ClinVar:

ClinVar aggregate classification (germline): Benign. Review status: criteria provided, multiple submitters, no conflicts (2 of 4 stars). 9 submissions from 9 submitters: Benign (9). Last evaluated 2026-04-21.

Conditions:
ALG1-related disorder. Also called: ALG1-related condition.
ALG1-congenital disorder of glycosylation. Also called: CONGENITAL DISORDER OF GLYCOSYLATION, TYPE Ik; ALG1-CDG; CDG Ik. Identifiers: Orphanet 79327, MedGen C2931005, MONDO:0012052, OMIM 608540.

Submissions (9):

PreventionGenetics, part of Exact Sciences
Classification: Benign for ALG1-related condition. Last evaluated: 2026-04-21. Review status: criteria provided, single submitter. Criteria: ACMG Guidelines, 2015. Collection method: clinical testing. Allele origin: germline.
Comment: This variant is classified as benign based on ACMG/AMP sequence variant interpretation guidelines (Richards et al. 2015 PMID: 25741868, with internal and published modifications).

Labcorp Genetics (formerly Invitae), Labcorp
Classification: Benign for ALG1-congenital disorder of glycosylation. Last evaluated: 2026-02-04. Review status: criteria provided, single submitter. Criteria: Invitae Variant Classification Sherloc (09022015). Collection method: clinical testing. Allele origin: germline.

Blueprint Genetics
Classification: Benign. Last evaluated: 2024-11-27. Review status: criteria provided, single submitter. Criteria: ACMG Guidelines, 2015. Collection method: clinical testing. Allele origin: germline.

Women's Health and Genetics/Laboratory Corporation of America, LabCorp
Classification: Benign. Last evaluated: 2022-03-18. Review status: criteria provided, single submitter. Criteria: LabCorp Variant Classification Summary - May 2015. Collection method: clinical testing. Allele origin: germline.

Genome-Nilou Lab
Classification: Benign for ALG1-congenital disorder of glycosylation. Last evaluated: 2021-07-14. Review status: criteria provided, single submitter. Criteria: ACMG Guidelines, 2015. Collection method: clinical testing. Allele origin: germline. Affected: no.

Mendelics
Classification: Benign for ALG1-congenital disorder of glycosylation. Last evaluated: 2019-05-28. Review status: criteria provided, single submitter. Criteria: Mendelics Assertion Criteria 2017. Collection method: clinical testing. Allele origin: unknown.

Mayo Clinic Laboratories, Mayo Clinic
Classification: Benign. Last evaluated: 2018-11-26. Review status: criteria provided, single submitter. Criteria: ACMG Guidelines, 2015. Collection method: clinical testing. Allele origin: germline. Observed: 36 variant alleles.

GeneDx
Classification: Benign. Last evaluated: 2016-01-29. Review status: criteria provided, single submitter. Criteria: GeneDx Variant Classification Process June 2021. Collection method: clinical testing. Allele origin: germline. Affected: yes.

Eurofins Ntd Llc (ga)
Classification: Benign. Last evaluated: 2014-05-06. Review status: criteria provided, single submitter. Criteria: EGL Classification Definitions. Collection method: clinical testing. Allele origin: germline. Observed: 29 variant alleles, 16 heterozygotes, 13 homozygotes.

Literature cited by the submitters: PubMed 23757202 (cited by Eurofins Ntd Llc (ga)).

NM_019109.5(ALG1):c.208+16_208+19dup

Genes: ALG1 (ALG1 chitobiosyldiphosphodolichol beta-mannosyltransferase; plus strand), LOC130058384 (ATAC-STARR-seq lymphoblastoid active region 10349; plus strand). Cytogenetic location: 16p13.3.
Variant type: Duplication.
Coding change: c.208+16_208+19dup on transcript NM_019109.5 (MANE Select); bases 16 to 19 of the intron after coding-DNA position 208, 4 bases duplicated (TCTG; older notation c.208+16_208+19dupTCTG).
Molecular consequence: intron variant.
Genome position (GRCh38, 1-based): chr16:5,072,073-5,072,076, TCTG duplicated; duplicating any 4 consecutive bases within chr16:5,072,072-5,072,076 gives the same sequence; the c. name uses the placement nearest the transcript's 3' end. VCF-style (leftmost placement, unchanged base first): chr16-5072071-G-GGTCT. GRCh37 (hg19) VCF-style: chr16-5122072-G-GGTCT.
Other names: p.?; c.208+16_208+19dupTCTG (NM_019109.4).
Identifiers: ClinVar variation 95935 (VCV000095935.23), dbSNP rs35400794, ClinGen allele CA149057.